The following is an entry in ClinVar:

ClinVar aggregate classification (germline): Uncertain significance. Review status: criteria provided, multiple submitters, no conflicts (2 of 4 stars). 2 submissions from 2 submitters: Uncertain significance (2). Last evaluated 2023-06-29.

Conditions:
Inborn genetic diseases. Identifiers: MedGen C0950123, MeSH D030342.
MHC class I deficiency. Identifiers: Orphanet 34592, MedGen C6024714, MONDO:0011476.

Allele frequency attached by ClinVar (database versions not stated): gnomAD exomes 0.00001; gnomAD 0.00002; ExAC 0.00003; 1000 Genomes Project 30x 0.00016.
gnomAD v4.1: 22 of 1,593,236 alleles (0.0014%); highest among the groups gnomAD compares: South Asian, 0.018%; no homozygotes.

Submissions (2):

Ambry Genetics
Classification: Uncertain significance for Inborn genetic diseases. Last evaluated: 2023-06-29. Review status: criteria provided, single submitter. Criteria: Ambry Variant Classification Scheme 2023. Collection method: clinical testing. Allele origin: germline.

Labcorp Genetics (formerly Invitae), Labcorp
Classification: Uncertain significance for MHC class I deficiency 1. Last evaluated: 2022-07-15. Review status: criteria provided, single submitter. Criteria: Invitae Variant Classification Sherloc (09022015). Collection method: clinical testing. Allele origin: germline.
Comment: In summary, the available evidence is currently insufficient to determine the role of this variant in disease. Therefore, it has been classified as a Variant of Uncertain Significance. Algorithms developed to predict the effect of missense changes on protein structure and function are either unavailable or do not agree on the potential impact of this missense change (SIFT: "Tolerated"; PolyPhen-2: "Not Available"; Align-GVGD: "Class C0"). This variant has not been reported in the literature in individuals affected with TAP2-related conditions. This variant is present in population databases (rs779204798, gnomAD 0.02%). This sequence change replaces alanine, which is neutral and non-polar, with valine, which is neutral and non-polar, at codon 17 of the TAP2 protein (p.Ala17Val).

NM_001290043.2(TAP2):c.50C>T (p.Ala17Val)

Gene: TAP2 (transporter 2, ATP binding cassette subfamily B member; minus strand). Cytogenetic location: 6p21.32.
Variant type: single nucleotide variant.
Coding change: c.50C>T on transcript NM_001290043.2 (MANE Select); coding-DNA position 50, C replaced by T.
Protein change: p.Ala17Val; replaces alanine 17 with valine.
Molecular consequence: missense variant.
Genome position (GRCh38, 1-based): chr6:32,838,184, G>A on the plus strand (C>T on the coding strand, the complement: TAP2 is on the minus strand). VCF-style: chr6-32838184-G-A. GRCh37 (hg19) VCF-style: chr6-32805961-G-A.
Other names: c.50C>T, p.Ala17Val (NM_000544.3, NM_018833.3); short protein forms A17V.
Identifiers: ClinVar variation 2416807 (VCV002416807.8), dbSNP rs779204798, ClinGen allele CA3746235.